The following is an entry in ClinVar:

NM_001379110.1(SLC9A6):c.131C>T (p.Ala44Val)

Genes: SLC9A6 (solute carrier family 9 member A6; plus strand), LOC130068747 (ATAC-STARR-seq lymphoblastoid active region 29988; plus strand). Cytogenetic location: Xq26.3.
Variant type: single nucleotide variant.
Coding change: c.131C>T on transcript NM_001379110.1 (MANE Select); coding-DNA position 131, C replaced by T.
Protein change: p.Ala44Val; replaces alanine 44 with valine.
Molecular consequence: missense variant.
Genome position (GRCh38, 1-based): chrX:135,985,789, C>T. VCF-style: chrX-135985789-C-T. GRCh37 (hg19) VCF-style: chrX-135067948-C-T.
Other names: c.287C>T, p.Ala96Val (NM_001042537.2, NM_006359.3); c.131C>T, p.Ala44Val (NM_001177651.2, NM_001330652.2); short protein forms A44V, A96V.
Identifiers: ClinVar variation 1189798 (VCV001189798.2), dbSNP rs2148130049, ClinGen allele CA414606924.

ClinVar aggregate classification (germline): Uncertain significance (1 of 4 stars; one submission).

Submission:

GeneDx
Classification: Uncertain significance. Last evaluated: 2019-05-01. Review status: criteria provided, single submitter. Criteria: GeneDx Variant Classification Process June 2021. Collection method: clinical testing. Allele origin: germline. Affected: yes.
Comment: Not observed in large population cohorts (Lek et al., 2016); In silico analysis, which includes protein predictors and evolutionary conservation, supports that this variant does not alter protein structure/function; Has not been previously published as pathogenic or benign to our knowledge